The following is an entry in ClinVar:

NM_002691.4(POLD1):c.1946C>A (p.Thr649Asn)

Gene: POLD1 (DNA polymerase delta 1, catalytic subunit; plus strand). Cytogenetic location: 19q13.33.
Variant type: single nucleotide variant.
Coding change: c.1946C>A on transcript NM_002691.4 (MANE Select); coding-DNA position 1946, C replaced by A.
Protein change: p.Thr649Asn; replaces threonine 649 with asparagine.
Molecular consequence: missense variant. On other transcripts: non-coding transcript variant (1).
Genome position (GRCh38, 1-based): chr19:50,409,175, C>A. VCF-style: chr19-50409175-C-A. GRCh37 (hg19) VCF-style: chr19-50912432-C-A.
Other names: c.1946C>A, p.Thr649Asn (NM_001256849.1, NM_001438210.1, NM_001438211.1 and 2 more transcripts); c.2024C>A, p.Thr675Asn (NM_001308632.1); short protein forms T649N, T675N.
Identifiers: ClinVar variation 4686413 (VCV004686413.1).

ClinVar aggregate classification (germline): Uncertain significance (1 of 4 stars; one submission).

Submission:

GeneDx
Classification: Uncertain significance. Last evaluated: 2025-07-15. Review status: criteria provided, single submitter. Criteria: GeneDx Variant Classification Process June 2021. Collection method: clinical testing. Allele origin: germline. Affected: yes.
Comment: Not observed at significant frequency in large population cohorts (gnomAD); In silico analysis suggests that this missense variant does not alter protein structure/function; Has not been previously published as pathogenic or benign to our knowledge; This variant is associated with the following publications: (PMID: 20951805)